The following is an entry in ClinVar:

NM_014974.3(DIP2C):c.1958G>A (p.Ser653Asn)

Gene: DIP2C (DIP2 acetate--CoA ligase C (putative); minus strand). Cytogenetic location: 10p15.3.
Variant type: single nucleotide variant.
Coding change: c.1958G>A on transcript NM_014974.3 (MANE Select); coding-DNA position 1958, G replaced by A.
Protein change: p.Ser653Asn; replaces serine 653 with asparagine.
Molecular consequence: missense variant.
Genome position (GRCh38, 1-based): chr10:382,680, C>T on the plus strand (G>A on the coding strand, the complement: DIP2C is on the minus strand). VCF-style: chr10-382680-C-T. GRCh37 (hg19) VCF-style: chr10-428620-C-T.
Other names: short protein forms S653N.
Identifiers: ClinVar variation 4699577 (VCV004699577.1).

ClinVar aggregate classification (germline): Uncertain significance (1 of 4 stars; one submission).

Submission:

Labcorp Genetics (formerly Invitae), Labcorp
Classification: Uncertain significance. Last evaluated: 2025-12-15. Review status: criteria provided, single submitter. Criteria: Invitae Variant Classification Sherloc (09022015). Collection method: clinical testing. Allele origin: germline.
Comment: This sequence change replaces serine, which is neutral and polar, with asparagine, which is neutral and polar, at codon 653 of the DIP2C protein (p.Ser653Asn). This variant is not present in population databases (gnomAD no frequency). This variant has not been reported in the literature in individuals affected with DIP2C-related conditions. An algorithm developed to predict the effect of missense changes on protein structure and function (PolyPhen-2) suggests that this variant is likely to be disruptive. In summary, the available evidence is currently insufficient to determine the role of this variant in disease. Therefore, it has been classified as a Variant of Uncertain Significance.